The following is an entry in ClinVar:

NM_001369.3(DNAH5):c.3388A>G (p.Thr1130Ala)

Genes: DNAH5 (dynein axonemal heavy chain 5; minus strand), DNAH5-AS1 (DNAH5 antisense RNA 1; plus strand). Cytogenetic location: 5p15.2.
Variant type: single nucleotide variant.
Coding change: c.3388A>G on transcript NM_001369.3 (MANE Select); coding-DNA position 3388, A replaced by G.
Protein change: p.Thr1130Ala; replaces threonine 1130 with alanine.
Molecular consequence: missense variant.
Genome position (GRCh38, 1-based): chr5:13,876,692, T>C on the plus strand (A>G on the coding strand, the complement: DNAH5 is on the minus strand). VCF-style: chr5-13876692-T-C. GRCh37 (hg19) VCF-style: chr5-13876801-T-C.
Other names: short protein forms T1130A.
Identifiers: ClinVar variation 4798933 (VCV004798933.1).
Genomic context (GRCh38, chr5:13,876,692, plus strand): 5'-CAAGTGCATGTTGCAAAGCAAAAGGTCCGGCTGCCAGACCCTCTTGACATACCTTTTTGG[T>C]GGAGTTGATAATTGTGCTAAGCACAGAAACTAATTTTACAATCTCTTTGTTTTCAGAAAC-3'
Protein context (NP_001360.1, residues 1120-1140): VSVLSTIINS[Thr1130Ala]KKEVITSMDC

ClinVar aggregate classification (germline): Uncertain significance (1 of 4 stars; one submission).

Conditions:
Primary ciliary dyskinesia. Also called: Ciliary dyskinesia. Identifiers: Orphanet 244, MedGen C0008780, MONDO:0016575, HP:0012265.

gnomAD v4.1: 5 of 1,613,548 alleles (0.00031%); highest among the groups gnomAD compares: Non-Finnish European, 0.00034%; no homozygotes.

Submission:

Labcorp Genetics (formerly Invitae), Labcorp
Classification: Uncertain significance for Primary ciliary dyskinesia. Last evaluated: 2025-10-04. Review status: criteria provided, single submitter. Criteria: Invitae Variant Classification Sherloc (09022015). Collection method: clinical testing. Allele origin: germline.
Comment: This sequence change replaces threonine, which is neutral and polar, with alanine, which is neutral and non-polar, at codon 1130 of the DNAH5 protein (p.Thr1130Ala). This variant is present in population databases (no rsID available, gnomAD 0.0009%). This variant has not been reported in the literature in individuals affected with DNAH5-related conditions. Invitae Evidence Modeling of protein sequence and biophysical properties (such as structural, functional, and spatial information, amino acid conservation, physicochemical variation, residue mobility, and thermodynamic stability) indicates that this missense variant is not expected to disrupt DNAH5 protein function with a negative predictive value of 95%. In summary, the available evidence is currently insufficient to determine the role of this variant in disease. Therefore, it has been classified as a Variant of Uncertain Significance.